The following is an entry in ClinVar:

NM_001386140.1(MTTP):c.992C>G (p.Ala331Gly)

Gene: MTTP (microsomal triglyceride transfer protein; plus strand). Cytogenetic location: 4q23.
Variant type: single nucleotide variant.
Coding change: c.992C>G on transcript NM_001386140.1 (MANE Select); coding-DNA position 992, C replaced by G.
Protein change: p.Ala331Gly; replaces alanine 331 with glycine.
Molecular consequence: missense variant.
Genome position (GRCh38, 1-based): chr4:99,597,149, C>G. VCF-style: chr4-99597149-C-G. GRCh37 (hg19) VCF-style: chr4-100518306-C-G.
Other names: c.992C>G, p.Ala331Gly (NM_000253.4); c.743C>G, p.Ala248Gly (NM_001300785.2); short protein forms A331G, A248G.
Identifiers: ClinVar variation 2096375 (VCV002096375.4), dbSNP rs770207576, ClinGen allele CA3022001.

ClinVar aggregate classification (germline): Uncertain significance (1 of 4 stars; one submission).

Allele frequency attached by ClinVar (database versions not stated): gnomAD exomes below 0.00001; gnomAD 0.00001; TOPMed below 0.00001; ExAC 0.00001.
gnomAD v4.1: 3 of 1,613,916 alleles (0.00019%); highest among the groups gnomAD compares: African/African-American, 0.004%; no homozygotes.

Submission:

Labcorp Genetics (formerly Invitae), Labcorp
Classification: Uncertain significance. Last evaluated: 2025-12-15. Review status: criteria provided, single submitter. Criteria: Invitae Variant Classification Sherloc (09022015). Collection method: clinical testing. Allele origin: germline.
Comment: This sequence change replaces alanine, which is neutral and non-polar, with glycine, which is neutral and non-polar, at codon 331 of the MTTP protein (p.Ala331Gly). This variant is present in population databases (rs770207576, gnomAD 0.01%). This variant has not been reported in the literature in individuals affected with MTTP-related conditions. ClinVar contains an entry for this variant (Variation ID: 2096375). Invitae Evidence Modeling of protein sequence and biophysical properties (such as structural, functional, and spatial information, amino acid conservation, physicochemical variation, residue mobility, and thermodynamic stability) indicates that this missense variant is not expected to disrupt MTTP protein function with a negative predictive value of 80%. In summary, the available evidence is currently insufficient to determine the role of this variant in disease. Therefore, it has been classified as a Variant of Uncertain Significance.